The following is an entry in ClinVar:

ClinVar aggregate classification (germline): Uncertain significance (1 of 4 stars; one submission).

Conditions:
Hereditary cancer-predisposing syndrome. Also called: Tumor predisposition; Hereditary neoplastic syndrome; Neoplastic Syndromes, Hereditary; Hereditary Cancer Syndrome. Identifiers: Orphanet 140162, MedGen C0027672, MeSH D009386, MONDO:0015356.

Submission:

Ambry Genetics
Classification: Uncertain significance for Hereditary cancer-predisposing syndrome. Last evaluated: 2025-05-27. Review status: criteria provided, single submitter. Criteria: Ambry Variant Classification Scheme 2023. Collection method: clinical testing. Allele origin: germline.
Comment: The p.P200A variant (also known as c.598C>G), located in coding exon 5 of the DICER1 gene, results from a C to G substitution at nucleotide position 598. The proline at codon 200 is replaced by alanine, an amino acid with highly similar properties. This amino acid position is conserved. In addition, the in silico prediction for this alteration is inconclusive. Based on the available evidence, the clinical significance of this variant remains unclear.

NM_177438.3(DICER1):c.598C>G (p.Pro200Ala)

Gene: DICER1 (dicer 1, ribonuclease III; minus strand). Cytogenetic location: 14q32.13.
Variant type: single nucleotide variant.
Coding change: c.598C>G on transcript NM_177438.3 (MANE Select); coding-DNA position 598, C replaced by G.
Protein change: p.Pro200Ala; replaces proline 200 with alanine.
Molecular consequence: missense variant. On other transcripts: 5 prime UTR variant (1), non-coding transcript variant (6).
Genome position (GRCh38, 1-based): chr14:95,129,608, G>C on the plus strand (C>G on the coding strand, the complement: DICER1 is on the minus strand). VCF-style: chr14-95129608-G-C. GRCh37 (hg19) VCF-style: chr14-95595945-G-C.
Other names: c.598C>G, p.Pro200Ala (NM_001195573.1, NM_001271282.3, NM_001291628.2 and 14 more transcripts); c.316C>G, p.Pro106Ala (NM_001395686.1); c.193C>G, p.Pro65Ala (NM_001395687.1, NM_001395688.1, NM_001395689.1 and 3 more transcripts); c.31C>G, p.Pro11Ala (NM_001395691.1); c.-971C>G (NM_001395697.1); short protein forms P106A, P11A, P200A, P65A.
Identifiers: ClinVar variation 4011674 (VCV004011674.1).